The following is an entry in ClinVar:

ClinVar aggregate classification (germline): Uncertain significance (1 of 4 stars; one submission).

Conditions:
Senior-Loken syndrome 7 (SLSN7). Identifiers: Orphanet 3156, MedGen C3150877, MONDO:0013326, OMIM 613615.
Bardet-Biedl syndrome 16 (BBS16). Identifiers: Orphanet 110, MedGen C3889474, MONDO:0014444, OMIM 615993.

Allele frequency attached by ClinVar (database versions not stated): TOPMed below 0.00001.

Submission:

Labcorp Genetics (formerly Invitae), Labcorp
Classification: Uncertain significance for Bardet-Biedl syndrome 16; Senior-Loken syndrome 7. Last evaluated: 2022-06-29. Review status: criteria provided, single submitter. Criteria: Invitae Variant Classification Sherloc (09022015). Collection method: clinical testing. Allele origin: germline.
Comment: In summary, the available evidence is currently insufficient to determine the role of this variant in disease. Therefore, it has been classified as a Variant of Uncertain Significance. Algorithms developed to predict the effect of missense changes on protein structure and function are either unavailable or do not agree on the potential impact of this missense change (SIFT: "Tolerated"; PolyPhen-2: "Possibly Damaging"; Align-GVGD: "Class C0"). This variant has not been reported in the literature in individuals affected with SDCCAG8-related conditions. This variant is not present in population databases (gnomAD no frequency). This sequence change replaces serine, which is neutral and polar, with threonine, which is neutral and polar, at codon 412 of the SDCCAG8 protein (p.Ser412Thr).

NM_006642.5(SDCCAG8):c.1234T>A (p.Ser412Thr)

Gene: SDCCAG8 (SHH signaling and ciliogenesis regulator SDCCAG8; plus strand). Cytogenetic location: 1q43.
Variant type: single nucleotide variant.
Coding change: c.1234T>A on transcript NM_006642.5 (MANE Select); coding-DNA position 1234, T replaced by A.
Protein change: p.Ser412Thr; replaces serine 412 with threonine.
Molecular consequence: missense variant.
Genome position (GRCh38, 1-based): chr1:243,341,051, T>A. VCF-style: chr1-243341051-T-A. GRCh37 (hg19) VCF-style: chr1-243504353-T-A.
Other names: c.331T>A, p.Ser111Thr (NM_001350246.2, NM_001350247.2, NM_001350251.2); c.1330T>A, p.Ser444Thr (NM_001350248.2); c.940T>A, p.Ser314Thr (NM_001350249.2); short protein forms S444T, S111T, S314T, S412T.
Identifiers: ClinVar variation 2012344 (VCV002012344.4), dbSNP rs2075355899, ClinGen allele CA345474423.